The following is an entry in ClinVar:

ClinVar aggregate classification (germline): Conflicting classifications of pathogenicity. Review status: criteria provided, conflicting classifications (1 of 4 stars). 2 submissions from 2 submitters: Uncertain significance (1); Benign (1). Last evaluated 2025-08-29.

Conditions:
Tuberous sclerosis syndrome (TSC). Also called: Tuberous sclerosis; Tuberous Sclerosis Complex. Identifiers: Orphanet 805, MedGen C0041341, MONDO:0001734.
Tuberous sclerosis 2 (TSC2). Identifiers: Orphanet 805, MedGen C1860707, MONDO:0013199, OMIM 613254.

Allele frequency attached by ClinVar (database versions not stated): gnomAD exomes below 0.00001.
gnomAD v4.1: 1 of 1,612,956 alleles (0.000062%); highest among the groups gnomAD compares: Admixed American, 0.0017%; no homozygotes.

Submissions (2):

Labcorp Genetics (formerly Invitae), Labcorp
Classification: Benign for Tuberous sclerosis 2. Last evaluated: 2025-08-29. Review status: criteria provided, single submitter. Criteria: Invitae Variant Classification Sherloc (09022015). Collection method: clinical testing. Allele origin: germline.

All of Us Research Program, National Institutes of Health
Classification: Uncertain significance for Tuberous sclerosis syndrome. Last evaluated: 2023-11-02. Review status: criteria provided, single submitter. Criteria: ACMG Guidelines, 2015. Collection method: clinical testing. Allele origin: germline. Inheritance: Autosomal dominant inheritance. Observed: 1 variant allele, 1 heterozygote.
Comment: This missense variant replaces glycine with aspartic acid at codon 1172 of the TSC2 protein. Computational prediction suggests that this variant may not impact protein structure and function (internally defined REVEL score threshold <= 0.5, PMID: 27666373). To our knowledge, functional studies have not been reported for this variant. This variant has not been reported in individuals affected with TSC2-related disorders in the literature. This variant has been identified in 1/250156 chromosomes in the general population by the Genome Aggregation Database (gnomAD). The available evidence is insufficient to determine the role of this variant in disease conclusively. Therefore, this variant is classified as a Variant of Uncertain Significance.

This study involves interpretation of variants in research participants for the purpose of population health screening. Participant phenotype was not available at the time of variant classification. Additional details can be found in publication PMID: 35346344, PMCID: PMC8962531

NM_000548.5(TSC2):c.3515G>A (p.Gly1172Asp)

Gene: TSC2 (TSC complex subunit 2; plus strand). Cytogenetic location: 16p13.3.
Variant type: single nucleotide variant.
Coding change: c.3515G>A on transcript NM_000548.5 (MANE Select); coding-DNA position 3515, G replaced by A.
Protein change: p.Gly1172Asp; replaces glycine 1172 with aspartic acid.
Molecular consequence: missense variant.
Genome position (GRCh38, 1-based): chr16:2,080,282, G>A. VCF-style: chr16-2080282-G-A. GRCh37 (hg19) VCF-style: chr16-2130283-G-A.
Other names: c.3383G>A, p.Gly1128Asp (NM_001077183.3, NM_001370404.1); c.3515G>A, p.Gly1172Asp (NM_001114382.3); c.3275G>A, p.Gly1092Asp (NM_001318827.2); c.3239G>A, p.Gly1080Asp (NM_001318829.2); c.2783G>A, p.Gly928Asp (NM_001318831.2); c.3416G>A, p.Gly1139Asp (NM_001318832.2); c.3386G>A, p.Gly1129Asp (NM_001363528.2, NM_001370405.1, NM_021055.3); short protein forms G1172D, G1080D, G1092D, G1139D, G928D, G1128D, G1129D.
Identifiers: ClinVar variation 573126 (VCV000573126.9), dbSNP rs1567504268, ClinGen allele CA394289295.